The following is an entry in ClinVar:

NM_014423.4(AFF4):c.2820A>G (p.Val940=)

Gene: AFF4 (ALF transcription elongation factor 4; minus strand). Cytogenetic location: 5q31.1.
Variant type: single nucleotide variant.
Coding change: c.2820A>G on transcript NM_014423.4 (MANE Select); coding-DNA position 2820, A replaced by G.
Protein change: p.Val940=; no amino-acid change (valine 940 retained).
Molecular consequence: synonymous variant.
Genome position (GRCh38, 1-based): chr5:132,887,959, T>C on the plus strand (A>G on the coding strand, the complement: AFF4 is on the minus strand). VCF-style: chr5-132887959-T-C. GRCh37 (hg19) VCF-style: chr5-132223651-T-C.
Identifiers: ClinVar variation 4989493 (VCV004989493.1).

ClinVar aggregate classification (germline): Likely benign (1 of 4 stars; one submission).

Conditions:
AFF4-related disorder. Also called: AFF4-related condition.

gnomAD v4.1: 12 of 1,613,648 alleles (0.00074%); highest among the groups gnomAD compares: Non-Finnish European, 0.001%; no homozygotes.

Submission:

PreventionGenetics, part of Exact Sciences
Classification: Likely benign for AFF4-related condition. Last evaluated: 2026-02-06. Review status: criteria provided, single submitter. Criteria: ACMG Guidelines, 2015. Collection method: clinical testing. Allele origin: germline.
Comment: This variant is classified as likely benign based on ACMG/AMP sequence variant interpretation guidelines (Richards et al. 2015 PMID: 25741868, with internal and published modifications).